The following is an entry in ClinVar:

ClinVar aggregate classification (germline): Uncertain significance (1 of 4 stars; one submission).

Submission:

GeneDx
Classification: Uncertain significance. Last evaluated: 2024-07-29. Review status: criteria provided, single submitter. Criteria: GeneDx Variant Classification Process June 2021. Collection method: clinical testing. Allele origin: germline. Affected: yes.
Comment: In-frame deletion of 2 amino acids in a non-repeat region; Not observed at significant frequency in large population cohorts (gnomAD); In silico analysis indicates that this variant does not alter protein structure/function; Has not been previously published as pathogenic or benign to our knowledge

NM_024528.4(NKAP):c.222_227del (p.74SR[3])

Gene: NKAP (NFKB activating protein; minus strand). Cytogenetic location: Xq24.
Variant type: Deletion.
Coding change: c.222_227del on transcript NM_024528.4 (MANE Select); coding-DNA positions 222 to 227, 6 bases deleted (ACGCTC; older notation c.222_227delACGCTC).
Protein change: p.74SR[3].
Molecular consequence: inframe indel (on NM_024528.3).
Genome position (GRCh38, 1-based): chrX:119,943,379-119,943,384, GAGCGT deleted on the plus strand (ACGCTC on the coding strand, the reverse complement: NKAP is on the minus strand); deleting any 6 consecutive bases within chrX:119,943,379-119,943,389 gives the same sequence; the c. name uses the placement nearest the transcript's 3' end. VCF-style (leftmost placement, unchanged base first): chrX-119943378-CGAGCGT-C. GRCh37 (hg19) VCF-style: chrX-119077341-CGAGCGT-C.
Other names: c.217_222delCGCTCA, p.Ser80_Arg81del (NM_024528.3).
Identifiers: ClinVar variation 3602303 (VCV003602303.1).